The following is an entry in ClinVar:

ClinVar aggregate classification (germline): Pathogenic (1 of 4 stars; one submission).

Conditions:
Peroxisome biogenesis disorder, complementation group 7 (CG7). Also called: Peroxisome biogenesis disorder, complementation group B. Identifiers: MedGen C1864399.

Submission:

Labcorp Genetics (formerly Invitae), Labcorp
Classification: Pathogenic for Peroxisome biogenesis disorder, complementation group 7. Last evaluated: 2021-12-27. Review status: criteria provided, single submitter. Criteria: Invitae Variant Classification Sherloc (09022015). Collection method: clinical testing. Allele origin: germline.
Comment: This sequence change creates a premature translational stop signal (p.Leu98Cysfs*3) in the PEX10 gene. It is expected to result in an absent or disrupted protein product. Loss-of-function variants in PEX10 are known to be pathogenic (PMID: 9683594, 10862081, 21031596). For these reasons, this variant has been classified as Pathogenic. Algorithms developed to predict the effect of sequence changes on RNA splicing suggest that this variant may create or strengthen a splice site. ClinVar contains an entry for this variant (Variation ID: 951635). This variant has not been reported in the literature in individuals affected with PEX10-related conditions. This variant is not present in population databases (gnomAD no frequency).

Literature cited by the submitters: PubMed 9683594; PubMed 10862081; PubMed 21031596.

NM_002617.4(PEX10):c.291_292insTGCTGGTGACG (p.Leu98delinsCysTrpTer)

Gene: PEX10 (peroxisomal biogenesis factor 10; minus strand). Cytogenetic location: 1p36.32.
Variant type: Insertion.
Coding change: c.291_292insTGCTGGTGACG on transcript NM_002617.4 (MANE Select); coding-DNA positions 291 to 292, TGCTGGTGACG inserted.
Protein change: p.Leu98delinsCysTrpTer.
Molecular consequence: nonsense. On other transcripts: 5 prime UTR variant (2), non-coding transcript variant (1).
Genome position: GRCh38 VCF-style: chr1-2408760-G-GCGTCACCAGCA. GRCh37 (hg19) VCF-style: chr1-2340199-G-GCGTCACCAGCA.
Other names: c.291_292insTGCTGGTGACG, p.Leu98delinsCysTrpTer (NM_001374425.1, NM_153818.2); c.-142_-141insTGCTGGTGACG (NM_001374426.1, NM_001374427.1).
Identifiers: ClinVar variation 951635 (VCV000951635.6), dbSNP rs1643093232, ClinGen allele CA1139655617.